The following is an entry in ClinVar:

ClinVar aggregate classification (germline): Uncertain significance (1 of 4 stars; one submission).

gnomAD v4.1: 4 of 1,209,058 alleles (0.00033%); highest among the groups gnomAD compares: African/African-American, 0.0017%; no homozygotes.

Submission:

GeneDx
Classification: Uncertain significance. Last evaluated: 2023-10-18. Review status: criteria provided, single submitter. Criteria: GeneDx Variant Classification Process June 2021. Collection method: clinical testing. Allele origin: germline. Affected: yes.
Comment: In silico analysis supports that this missense variant has a deleterious effect on protein structure/function; Has not been previously published as pathogenic or benign to our knowledge

NM_001099922.3(ALG13):c.304G>A (p.Glu102Lys)

Gene: ALG13 (ALG13 UDP-N-acetylglucosaminyltransferase subunit; plus strand). Cytogenetic location: Xq23.
Variant type: single nucleotide variant.
Coding change: c.304G>A on transcript NM_001099922.3 (MANE Select); coding-DNA position 304, G replaced by A.
Protein change: p.Glu102Lys; replaces glutamic acid 102 with lysine.
Molecular consequence: missense variant. On other transcripts: 5 prime UTR variant (9), non-coding transcript variant (3).
Genome position (GRCh38, 1-based): chrX:111,685,024, G>A. VCF-style: chrX-111685024-G-A. GRCh37 (hg19) VCF-style: chrX-110928252-G-A.
Other names: c.245G>A, p.Arg82Gln (NM_001039210.5); c.304G>A, p.Glu102Lys (NM_001168385.3, NM_001324292.2, NM_018466.6); c.-9G>A (NM_001257230.2, NM_001257234.2, NM_001257235.3 and 6 more transcripts); c.70G>A, p.Glu24Lys (NM_001257231.2, NM_001257241.3); c.310G>A, p.Glu104Lys (NM_001324290.2); short protein forms E102K, E104K, E24K, R82Q.
Identifiers: ClinVar variation 3340788 (VCV003340788.1).